The following is an entry in ClinVar:

NM_020738.4(KIDINS220):c.1865C>T (p.Ser622Leu)

Gene: KIDINS220 (kinase D interacting substrate 220; minus strand). Cytogenetic location: 2p25.1.
Variant type: single nucleotide variant.
Coding change: c.1865C>T on transcript NM_020738.4 (MANE Select); coding-DNA position 1865, C replaced by T.
Protein change: p.Ser622Leu; replaces serine 622 with leucine.
Molecular consequence: missense variant. On other transcripts: non-coding transcript variant (2).
Genome position (GRCh38, 1-based): chr2:8,786,280, G>A on the plus strand (C>T on the coding strand, the complement: KIDINS220 is on the minus strand). VCF-style: chr2-8786280-G-A. GRCh37 (hg19) VCF-style: chr2-8926410-G-A.
Other names: c.1868C>T, p.Ser623Leu (NM_001348729.2, NM_001348731.2, NM_001348734.2 and 3 more transcripts); c.1865C>T, p.Ser622Leu (NM_001348732.2, NM_001348735.2, NM_001348738.2 and 3 more transcripts); c.1739C>T, p.Ser580Leu (NM_001348736.2); c.1865C>T (NM_020738.2); short protein forms S580L, S622L, S623L.
Identifiers: ClinVar variation 2997192 (VCV002997192.4), dbSNP rs1038716146, ClinGen allele CA42335888.

ClinVar aggregate classification (germline): Uncertain significance. Review status: criteria provided, multiple submitters, no conflicts (2 of 4 stars). 2 submissions from 2 submitters: Uncertain significance (2). Last evaluated 2025-06-17.

Conditions:
KIDINS220-related disorder. Also called: KIDINS220-related condition.

Allele frequency attached by ClinVar (database versions not stated): gnomAD 0.00001; gnomAD exomes 0.00001; TOPMed 0.00001.
gnomAD v4.1: 21 of 1,613,928 alleles (0.0013%); highest among the groups gnomAD compares: Admixed American, 0.0033%; no homozygotes.

Submissions (2):

Labcorp Genetics (formerly Invitae), Labcorp
Classification: Uncertain significance. Last evaluated: 2025-06-17. Review status: criteria provided, single submitter. Criteria: Invitae Variant Classification Sherloc (09022015). Collection method: clinical testing. Allele origin: germline.
Comment: This sequence change replaces serine, which is neutral and polar, with leucine, which is neutral and non-polar, at codon 622 of the KIDINS220 protein (p.Ser622Leu). This variant is present in population databases (no rsID available, gnomAD 0.006%). This variant has not been reported in the literature in individuals affected with KIDINS220-related conditions. ClinVar contains an entry for this variant (Variation ID: 2997192). An algorithm developed to predict the effect of missense changes on protein structure and function (PolyPhen-2) suggests that this variant is likely to be disruptive. In summary, the available evidence is currently insufficient to determine the role of this variant in disease. Therefore, it has been classified as a Variant of Uncertain Significance.

PreventionGenetics, part of Exact Sciences
Classification: Uncertain significance for KIDINS220-related condition. Last evaluated: 2025-06-11. Review status: criteria provided, single submitter. Criteria: ACMG Guidelines, 2015. Collection method: clinical testing. Allele origin: germline.
Comment: The KIDINS220 c.1865C>T variant is predicted to result in the amino acid substitution p.Ser622Leu. To our knowledge, this variant has not been reported in the literature. This variant is reported in 0.0056% of alleles in individuals of East Asian descent in gnomAD. At this time, the clinical significance of this variant is uncertain due to the absence of conclusive functional and genetic evidence.